The following is an entry in ClinVar:

NM_017654.4(SAMD9):c.854G>C (p.Arg285Pro)

Gene: SAMD9 (sterile alpha motif domain containing 9; minus strand). Cytogenetic location: 7q21.2.
Variant type: single nucleotide variant.
Coding change: c.854G>C on transcript NM_017654.4 (MANE Select); coding-DNA position 854, G replaced by C.
Protein change: p.Arg285Pro; replaces arginine 285 with proline.
Molecular consequence: missense variant.
Genome position (GRCh38, 1-based): chr7:93,105,244, C>G on the plus strand (G>C on the coding strand, the complement: SAMD9 is on the minus strand). VCF-style: chr7-93105244-C-G. GRCh37 (hg19) VCF-style: chr7-92734557-C-G.
Other names: c.854G>C, p.Arg285Pro (NM_001193307.2); short protein forms R285P.
Identifiers: ClinVar variation 3792078 (VCV003792078.2).

ClinVar aggregate classification (germline): Uncertain significance. Review status: criteria provided, multiple submitters, no conflicts (2 of 4 stars). 2 submissions from 2 submitters: Uncertain significance (2). Last evaluated 2026-02-01.

Conditions:
Inborn genetic diseases. Identifiers: MedGen C0950123, MeSH D030342.

Submissions (2):

Labcorp Genetics (formerly Invitae), Labcorp
Classification: Uncertain significance. Last evaluated: 2026-02-01. Review status: criteria provided, single submitter. Criteria: Invitae Variant Classification Sherloc (09022015). Collection method: clinical testing. Allele origin: germline.
Comment: This sequence change replaces arginine, which is basic and polar, with proline, which is neutral and non-polar, at codon 285 of the SAMD9 protein (p.Arg285Pro). This variant is not present in population databases (gnomAD no frequency). This variant has not been reported in the literature in individuals affected with SAMD9-related conditions. ClinVar contains an entry for this variant (Variation ID: 3792078). Invitae Evidence Modeling of protein sequence and biophysical properties (such as structural, functional, and spatial information, amino acid conservation, physicochemical variation, residue mobility, and thermodynamic stability) has been performed for this missense variant. However, the output from this modeling did not meet the statistical confidence thresholds required to predict the impact of this variant on SAMD9 protein function. In summary, the available evidence is currently insufficient to determine the role of this variant in disease. Therefore, it has been classified as a Variant of Uncertain Significance.

Ambry Genetics
Classification: Uncertain significance for Inborn genetic diseases. Last evaluated: 2025-02-11. Review status: criteria provided, single submitter. Criteria: Ambry Variant Classification Scheme 2023. Collection method: clinical testing. Allele origin: germline.
Comment: The p.R285P variant (also known as c.854G>C), located in coding exon 1 of the SAMD9 gene, results from a G to C substitution at nucleotide position 854. The arginine at codon 285 is replaced by proline, an amino acid with dissimilar properties. This amino acid position is conserved. In addition, this alteration is predicted to be tolerated by in silico analysis. Based on the available evidence, the clinical significance of this variant remains unclear.